The following is an entry in ClinVar:

ClinVar aggregate classification (germline): Uncertain significance. Review status: criteria provided, multiple submitters, no conflicts (2 of 4 stars). 3 submissions from 3 submitters: Uncertain significance (3). Last evaluated 2025-03-18.

Conditions:
Inborn genetic diseases. Identifiers: MedGen C0950123, MeSH D030342.
Cone-rod dystrophy 13 (CORD13). Identifiers: Orphanet 1872, MedGen C2750720, MONDO:0011987, OMIM 608194.
Leber congenital amaurosis 6 (LCA6). Identifiers: Orphanet 65, MedGen C1854260, MONDO:0013446, OMIM 613826.

Allele frequency attached by ClinVar (database versions not stated): ExAC below 0.00001; gnomAD exomes 0.00001 and 0.00006; gnomAD 0.00002; TOPMed 0.00002; ESP Exome Variant Server 0.00008.

Submissions (3):

Ambry Genetics
Classification: Uncertain significance for Inborn genetic diseases. Last evaluated: 2025-03-18. Review status: criteria provided, single submitter. Criteria: Ambry Variant Classification Scheme 2023. Collection method: clinical testing. Allele origin: germline.

Blueprint Genetics
Classification: Uncertain significance. Last evaluated: 2024-06-14. Review status: criteria provided, single submitter. Criteria: ACMG Guidelines, 2015. Collection method: clinical testing. Allele origin: germline.

Labcorp Genetics (formerly Invitae), Labcorp
Classification: Uncertain significance for Leber congenital amaurosis 6; Cone-rod dystrophy 13. Last evaluated: 2021-08-31. Review status: criteria provided, single submitter. Criteria: Invitae Variant Classification Sherloc (09022015). Collection method: clinical testing. Allele origin: germline.
Comment: This sequence change replaces serine with arginine at codon 391 of the RPGRIP1 protein (p.Ser391Arg). The serine residue is moderately conserved and there is a moderate physicochemical difference between serine and arginine. The frequency data for this variant in the population databases is considered unreliable, as metrics indicate poor data quality at this position in the ExAC database. This variant has not been reported in the literature in individuals affected with RPGRIP1-related conditions. Algorithms developed to predict the effect of missense changes on protein structure and function (SIFT, PolyPhen-2, Align-GVGD) all suggest that this variant is likely to be tolerated. In summary, the available evidence is currently insufficient to determine the role of this variant in disease. Therefore, it has been classified as a Variant of Uncertain Significance.

NM_020366.4(RPGRIP1):c.1173C>G (p.Ser391Arg)

Gene: RPGRIP1 (RPGR interacting protein 1; plus strand). Cytogenetic location: 14q11.2.
Variant type: single nucleotide variant.
Coding change: c.1173C>G on transcript NM_020366.4 (MANE Select); coding-DNA position 1173, C replaced by G.
Protein change: p.Ser391Arg; replaces serine 391 with arginine.
Molecular consequence: missense variant.
Genome position (GRCh38, 1-based): chr14:21,317,717, C>G. VCF-style: chr14-21317717-C-G. GRCh37 (hg19) VCF-style: chr14-21785876-C-G.
Other names: c.99C>G, p.Ser33Arg (NM_001377523.1, NM_001377948.1, NM_001377949.1 and 1 more transcripts); short protein forms S391R, S33R.
Identifiers: ClinVar variation 960672 (VCV000960672.9), dbSNP rs373962100, ClinGen allele CA7088902.